The following is an entry in ClinVar:

ClinVar aggregate classification (germline): Benign/Likely benign. Review status: criteria provided, multiple submitters, no conflicts (2 of 4 stars). 4 submissions from 4 submitters: Benign (2); Likely benign (1). 1 of the submissions does not count toward it. Last evaluated 2025-12-08.

Conditions:
SLC40A1-related disorder. Also called: SLC40A1-related condition.
Hemochromatosis type 4 (HFE4). Also called: Ferroportin disease; HEMOCHROMATOSIS DUE TO DEFECT IN FERROPORTIN; HEMOCHROMATOSIS, AUTOSOMAL DOMINANT. Identifiers: Orphanet 139491, Orphanet 647834, Orphanet 648562, MedGen C1853733, MONDO:0011631, OMIM 606069.

Allele frequency attached by ClinVar (database versions not stated): 1000 Genomes Project 0.00080; TOPMed 0.00002; gnomAD 0.00009 and 0.00001; ExAC 0.00023; 1000 Genomes Project 30x 0.00062.
gnomAD v4.1: 248 of 1,614,122 alleles (0.015%); highest among the groups gnomAD compares: South Asian, 0.23%; 2 homozygotes.

Submissions (4):

Labcorp Genetics (formerly Invitae), Labcorp
Classification: Benign for Hemochromatosis type 4. Last evaluated: 2025-12-08. Review status: criteria provided, single submitter. Criteria: Invitae Variant Classification Sherloc (09022015). Collection method: clinical testing. Allele origin: germline.

Laboratory of Genetics, Children's Clinical University Hospital Latvia
Classification: Likely benign. Last evaluated: 2025-02-16. Review status: criteria provided, single submitter. Criteria: ACMG Guidelines, 2015. Collection method: clinical testing. Allele origin: germline. Affected: yes.

Illumina Laboratory Services, Illumina
Classification: Benign for Hemochromatosis type 4. Last evaluated: 2018-01-13. Review status: criteria provided, single submitter. Criteria: ICSL Variant Classification Criteria 13 December 2019. Collection method: clinical testing. Allele origin: germline.
Comment: This variant was observed in the ICSL laboratory as part of a predisposition screen in an ostensibly healthy population. It had not been previously curated by ICSL or reported in the Human Gene Mutation Database (HGMD: prior to June 1st, 2018), and was therefore a candidate for classification through an automated scoring system. Utilizing variant allele frequency, disease prevalence and penetrance estimates, and inheritance mode, an automated score was calculated to assess if this variant is too frequent to cause the disease. Based on the score and internal cut-off values, a variant classified as benign is not then subjected to further curation. The score for this variant resulted in a classification of benign for this disease.

PreventionGenetics, part of Exact Sciences
Classification: Likely benign for SLC40A1-related condition. Last evaluated: 2019-07-01. Review status: no assertion criteria provided. Collection method: clinical testing. Allele origin: germline. Not counted in ClinVar's aggregate classification.
Comment: This variant is classified as likely benign based on ACMG/AMP sequence variant interpretation guidelines (Richards et al. 2015 PMID: 25741868, with internal and published modifications).

NM_014585.6(SLC40A1):c.1203C>T (p.Ser401=)

Gene: SLC40A1 (solute carrier family 40 member 1; minus strand). Cytogenetic location: 2q32.2.
Variant type: single nucleotide variant.
Coding change: c.1203C>T on transcript NM_014585.6 (MANE Select); coding-DNA position 1203, C replaced by T.
Protein change: p.Ser401=; no amino-acid change (serine 401 retained).
Molecular consequence: synonymous variant.
Genome position (GRCh38, 1-based): chr2:189,563,783, G>A on the plus strand (C>T on the coding strand, the complement: SLC40A1 is on the minus strand). VCF-style: chr2-189563783-G-A. GRCh37 (hg19) VCF-style: chr2-190428509-G-A.
Identifiers: ClinVar variation 534237 (VCV000534237.16), dbSNP rs200345331, ClinGen allele CA2024107.